The following is an entry in ClinVar:

ClinVar aggregate classification (germline): Likely benign. Review status: criteria provided, multiple submitters, no conflicts (2 of 4 stars). 3 submissions from 3 submitters: Likely benign (3). Last evaluated 2026-01-26.

Allele frequency attached by ClinVar (database versions not stated): gnomAD 0.00001; gnomAD exomes 0.00001; TOPMed 0.00001.
gnomAD v4.1: 14 of 1,574,770 alleles (0.00089%); highest among the groups gnomAD compares: Middle Eastern, 0.051%; no homozygotes.

Submissions (3):

Labcorp Genetics (formerly Invitae), Labcorp
Classification: Likely benign. Last evaluated: 2026-01-26. Review status: criteria provided, single submitter. Criteria: Invitae Variant Classification Sherloc (09022015). Collection method: clinical testing. Allele origin: germline.

Blueprint Genetics
Classification: Likely benign. Last evaluated: 2024-11-07. Review status: criteria provided, single submitter. Criteria: ACMG Guidelines, 2015. Collection method: clinical testing. Allele origin: germline.

CeGaT Center for Human Genetics Tuebingen
Classification: Likely benign. Last evaluated: 2023-07-01. Review status: criteria provided, single submitter. Criteria: CeGaT Center For Human Genetics Tuebingen Variant Classification Criteria Version 2. Collection method: clinical testing. Allele origin: germline. Affected: yes. Observed: 2 variant alleles.
Comment: TULP1: BP4, BP7

NM_003322.6(TULP1):c.222T>G (p.Pro74=)

Gene: TULP1 (TUB like protein 1; minus strand). Cytogenetic location: 6p21.31.
Variant type: single nucleotide variant.
Coding change: c.222T>G on transcript NM_003322.6 (MANE Select); coding-DNA position 222, T replaced by G.
Protein change: p.Pro74=; no amino-acid change (proline 74 retained).
Molecular consequence: synonymous variant. On other transcripts: intron variant (1).
Genome position (GRCh38, 1-based): chr6:35,511,775, A>C on the plus strand (T>G on the coding strand, the complement: TULP1 is on the minus strand). VCF-style: chr6-35511775-A-C. GRCh37 (hg19) VCF-style: chr6-35479552-A-C.
Other names: c.190+405T>G (NM_001289395.2).
Identifiers: ClinVar variation 724435 (VCV000724435.39), dbSNP rs1447321919, ClinGen allele CA449944228.